The following is an entry in ClinVar:

NM_013393.3(MRM2):c.242C>T (p.Ala81Val)

Gene: MRM2 (mitochondrial rRNA methyltransferase 2; minus strand). Cytogenetic location: 7p22.3.
Variant type: single nucleotide variant.
Coding change: c.242C>T on transcript NM_013393.3 (MANE Select); coding-DNA position 242, C replaced by T.
Protein change: p.Ala81Val; replaces alanine 81 with valine.
Molecular consequence: missense variant.
Genome position (GRCh38, 1-based): chr7:2,239,474, G>A on the plus strand (C>T on the coding strand, the complement: MRM2 is on the minus strand). VCF-style: chr7-2239474-G-A. GRCh37 (hg19) VCF-style: chr7-2279109-G-A.
Other names: short protein forms A81V.
Identifiers: ClinVar variation 1342152 (VCV001342152.3), dbSNP rs41273051, ClinGen allele CA4124068.

ClinVar aggregate classification (germline): Uncertain significance. Review status: criteria provided, single submitter (1 of 4 stars). 2 submissions from 2 submitters: Uncertain significance (1). 1 of the submissions does not count toward it. Last evaluated 2022-09-30.

Conditions:
Mitochondrial DNA depletion syndrome 17. Identifiers: MedGen C5231412, MONDO:0032815, OMIM 618567.

Allele frequency attached by ClinVar (database versions not stated): gnomAD 0.00001; gnomAD exomes 0.00001; ExAC 0.00003; 1000 Genomes Project 0.00020; 1000 Genomes Project 30x 0.00031.
gnomAD v4.1: 16 of 1,613,700 alleles (0.00099%); highest among the groups gnomAD compares: Admixed American, 0.0017%; no homozygotes.

Submissions (2):

GeneDx
Classification: Uncertain significance. Last evaluated: 2022-09-30. Review status: criteria provided, single submitter. Criteria: GeneDx Variant Classification Process June 2021. Collection method: clinical testing. Allele origin: germline. Affected: yes.
Comment: In silico analysis supports that this missense variant has a deleterious effect on protein structure/function; This variant is associated with the following publications: (PMID: 36002240)

OMIM
Classification: Pathogenic for MITOCHONDRIAL DNA DEPLETION SYNDROME 17. Last evaluated: 2024-03-07. Review status: no assertion criteria provided. Collection method: literature only. Allele origin: germline. Not counted in ClinVar's aggregate classification.

Literature cited by the submitters: PubMed 36002240 (cited by OMIM).